The following is an entry in ClinVar:

NM_017547.4(FOXRED1):c.7C>T (p.Arg3Trp)

Genes: FOXRED1 (FAD dependent oxidoreductase domain containing 1; plus strand), LOC130007026 (ATAC-STARR-seq lymphoblastoid active region 5705; plus strand). Cytogenetic location: 11q24.2.
Variant type: single nucleotide variant.
Coding change: c.7C>T on transcript NM_017547.4 (MANE Select); coding-DNA position 7, C replaced by T.
Protein change: p.Arg3Trp; replaces arginine 3 with tryptophan.
Molecular consequence: missense variant. On other transcripts: non-coding transcript variant (2).
Genome position (GRCh38, 1-based): chr11:126,269,213, C>T. VCF-style: chr11-126269213-C-T. GRCh37 (hg19) VCF-style: chr11-126139108-C-T.
Other names: p.R3W:CGG>TGG; short protein forms R3W.
Identifiers: ClinVar variation 214445 (VCV000214445.2), dbSNP rs756466676, ClinGen allele CA323382.

ClinVar aggregate classification (germline): Uncertain significance. Review status: criteria provided, multiple submitters, no conflicts (2 of 4 stars). 2 submissions from 2 submitters: Uncertain significance (2). Last evaluated 2023-12-14.

Allele frequency attached by ClinVar (database versions not stated): ExAC 0.00002; gnomAD 0.00003 and 0.00004; gnomAD exomes 0.00003; TOPMed 0.00003.
gnomAD v4.1: 39 of 1,613,020 alleles (0.0024%); highest among the groups gnomAD compares: Admixed American, 0.01%; no homozygotes.

Submissions (2):

Women's Health and Genetics/Laboratory Corporation of America, LabCorp
Classification: Uncertain significance. Last evaluated: 2023-12-14. Review status: criteria provided, single submitter. Criteria: LabCorp Variant Classification Summary - May 2015. Collection method: clinical testing. Allele origin: germline.
Comment: Variant summary: FOXRED1 c.7C>T (p.Arg3Trp) results in a non-conservative amino acid change in the encoded protein sequence. Three of five in-silico tools predict a benign effect of the variant on protein function. The variant allele was found at a frequency of 3.2e-05 in 250200 control chromosomes (gnomAD). The available data on variant occurrences in the general population are insufficient to allow any conclusion about variant significance. c.7C>T has been reported in the literature in an individual affected with ataxia (Ngo_2020). This report does not provide unequivocal conclusions about association of the variant with Leigh Syndrome. To our knowledge, no experimental evidence demonstrating an impact on protein function has been reported. One submitter has cited a clinical-significance assessment for this variant to ClinVar after 2014 and has classified the variant as uncertain significance. Based on the evidence outlined above, the variant was classified as uncertain significance.

GeneDx
Classification: Uncertain significance. Last evaluated: 2017-03-16. Review status: criteria provided, single submitter. Criteria: GeneDx Variant Classification (06012015). Collection method: clinical testing. Allele origin: germline. Affected: yes.
Comment: p.Arg3Trp (CGG>TGG):c.7 C>T in exon 1 of the FOXRED1 gene (NM_017547.3). The R3W missense substitution has not been published as a mutation, nor has it been reported as a benign polymorphism to our knowledge. The amino acid change is non-conservative in that a positively charged Arginine residue is replaced by an uncharged Tryptophan residue. This change occurs at a position in the FOXRED1 protein that is not highly conserved, and multiple in-silico analyes predict that R3W is a benign sequence change. Therefore, based on the currently available information, it is unclear whether R3W is a disease-causing mutation or a rare benign variant. The variant is found in MITONUC-MITOP panel(s).

Literature cited by the submitters: PubMed 31692161 (cited by Women's Health and Genetics/Laboratory Corporation of America, LabCorp).